The following is an entry in ClinVar:

NM_012254.3(SLC27A5):c.1805C>T (p.Ala602Val)

Gene: SLC27A5 (solute carrier family 27 member 5; minus strand). Cytogenetic location: 19q13.43.
Variant type: single nucleotide variant.
Coding change: c.1805C>T on transcript NM_012254.3 (MANE Select); coding-DNA position 1805, C replaced by T.
Protein change: p.Ala602Val; replaces alanine 602 with valine.
Molecular consequence: missense variant.
Genome position (GRCh38, 1-based): chr19:58,498,876, G>A on the plus strand (C>T on the coding strand, the complement: SLC27A5 is on the minus strand). VCF-style: chr19-58498876-G-A. GRCh37 (hg19) VCF-style: chr19-59010243-G-A.
Other names: c.1553C>T, p.Ala518Val (NM_001321196.2); short protein forms A602V, A518V.
Identifiers: ClinVar variation 4768831 (VCV004768831.1).

ClinVar aggregate classification (germline): Uncertain significance (1 of 4 stars; one submission).

gnomAD v4.1: 2 of 1,613,632 alleles (0.00012%); highest among the groups gnomAD compares: East Asian, 0.0022%; no homozygotes.

Submission:

Labcorp Genetics (formerly Invitae), Labcorp
Classification: Uncertain significance. Last evaluated: 2025-11-23. Review status: criteria provided, single submitter. Criteria: Invitae Variant Classification Sherloc (09022015). Collection method: clinical testing. Allele origin: germline.
Comment: This sequence change replaces alanine, which is neutral and non-polar, with valine, which is neutral and non-polar, at codon 602 of the SLC27A5 protein (p.Ala602Val). This variant is not present in population databases (gnomAD no frequency). This variant has not been reported in the literature in individuals affected with SLC27A5-related conditions. An algorithm developed to predict the effect of missense changes on protein structure and function outputs the following: PolyPhen-2: "Benign". The valine amino acid residue is found in multiple mammalian species, which suggests that this missense change does not adversely affect protein function. In summary, the available evidence is currently insufficient to determine the role of this variant in disease. Therefore, it has been classified as a Variant of Uncertain Significance.